The following is an entry in ClinVar:

NM_001101362.3(KBTBD13):c.229_271dup (p.Pro91fs)

Gene: KBTBD13 (kelch repeat and BTB domain containing 13; plus strand). Cytogenetic location: 15q22.31.
Variant type: Duplication.
Coding change: c.229_271dup on transcript NM_001101362.3 (MANE Select); coding-DNA positions 229 to 271, 43 bases duplicated.
Protein change: p.Pro91fs; shifts the reading frame from proline 91.
Molecular consequence: frameshift variant.
Genome position (GRCh38, 1-based): chr15:65,077,044-65,077,086, 43 bases duplicated; duplicating any 43 consecutive bases within chr15:65,077,043-65,077,086 gives the same sequence; the c. name uses the placement nearest the transcript's 3' end. GRCh37 (hg19): chr15:65,369,382-65,369,424.
Other names: short protein forms P91fs.
Identifiers: ClinVar variation 662192 (VCV000662192.8), dbSNP rs1401828622, ClinGen allele CA618956816.

ClinVar aggregate classification (germline): Uncertain significance. Review status: criteria provided, multiple submitters, no conflicts (2 of 4 stars). 2 submissions from 2 submitters: Uncertain significance (2). Last evaluated 2024-09-20.

Conditions:
Nemaline myopathy 6 (NEM6). Also called: Nemaline myopathy 6, autosomal dominant. Identifiers: Orphanet 171439, MedGen C1836472, MONDO:0012237, OMIM 609273.

Submissions (2):

Revvity Omics, Revvity
Classification: Uncertain significance for Nemaline myopathy 6. Last evaluated: 2024-09-20. Review status: criteria provided, single submitter. Criteria: ACMG Guidelines, 2015. Collection method: clinical testing. Allele origin: germline.

Labcorp Genetics (formerly Invitae), Labcorp
Classification: Uncertain significance for Nemaline myopathy 6. Last evaluated: 2024-04-25. Review status: criteria provided, single submitter. Criteria: Invitae Variant Classification Sherloc (09022015). Collection method: clinical testing. Allele origin: germline.
Comment: This sequence change creates a premature translational stop signal (p.Pro91Argfs*68) in the KBTBD13 gene. While this is not anticipated to result in nonsense mediated decay, it is expected to disrupt the last 368 amino acid(s) of the KBTBD13 protein. This variant is present in population databases (no rsID available, gnomAD 0.08%), and has an allele count higher than expected for a pathogenic variant. This variant has not been reported in the literature in individuals affected with KBTBD13-related conditions. ClinVar contains an entry for this variant (Variation ID: 662192). Experimental studies and prediction algorithms are not available or were not evaluated, and the functional significance of this variant is currently unknown. In summary, the available evidence is currently insufficient to determine the role of this variant in disease. Therefore, it has been classified as a Variant of Uncertain Significance.